The following is an entry in ClinVar:

NM_030954.4(RNF170):c.321T>G (p.Cys107Trp)

Gene: RNF170 (ring finger protein 170; minus strand). Cytogenetic location: 8p11.21.
Variant type: single nucleotide variant.
Coding change: c.321T>G on transcript NM_030954.4 (MANE Select); coding-DNA position 321, T replaced by G.
Protein change: p.Cys107Trp; replaces cysteine 107 with tryptophan.
Molecular consequence: missense variant. On other transcripts: non-coding transcript variant (2).
Genome position (GRCh38, 1-based): chr8:42,870,005, A>C on the plus strand (T>G on the coding strand, the complement: RNF170 is on the minus strand). VCF-style: chr8-42870005-A-C. GRCh37 (hg19) VCF-style: chr8-42725148-A-C.
Other names: c.321T>G, p.Cys107Trp (NM_001160223.2, NM_001160224.2); c.69T>G, p.Cys23Trp (NM_001160225.2); c.321T>G (NM_001160223.1); short protein forms C107W, C23W.
Identifiers: ClinVar variation 1691706 (VCV001691706.3), dbSNP rs2128934252, ClinGen allele CA371112700.

ClinVar aggregate classification (germline): Likely pathogenic. Review status: criteria provided, multiple submitters, no conflicts (2 of 4 stars). 2 submissions from 2 submitters: Likely pathogenic (2). Last evaluated 2025-06-07.

Conditions:
Inborn genetic diseases. Identifiers: MedGen C0950123, MeSH D030342.
Spastic paraplegia 85, autosomal recessive (SPG85). Identifiers: Orphanet 631082, MedGen C5562053, MONDO:0030512, OMIM 619686.

Submissions (2):

Ambry Genetics
Classification: Likely pathogenic for Inborn genetic diseases. Last evaluated: 2025-06-07. Review status: criteria provided, single submitter. Criteria: Ambry Variant Classification Scheme 2023. Collection method: clinical testing. Allele origin: germline.
Comment: The c.321T>G (p.C107W) alteration is located in exon 4 (coding exon 3) of the RNF170 gene. This alteration results from a T to G substitution at nucleotide position 321, causing the cysteine (C) at amino acid position 107 to be replaced by a tryptophan (W). This variant was not reported in population-based cohorts in the Genome Aggregation Database (gnomAD). This variant has been identified in the homozygous state and/or in conjunction with other RNF170 variant(s) in individual(s) with features consistent with RNF170-related hereditary spastic paraplegia (Chouery, 2022). This amino acid position is highly conserved in available vertebrate species. This alteration is predicted to be deleterious by in silico analysis. Based on the available evidence, this alteration is classified as likely pathogenic.

SIB Swiss Institute of Bioinformatics
Classification: Likely pathogenic for Spastic paraplegia 85, autosomal recessive. Last evaluated: 2022-06-10. Review status: criteria provided, single submitter. Criteria: ACMG Guidelines, 2015. Collection method: curation. Allele origin: unknown.
Comment: This variant is interpreted as likely pathogenic for Spastic paraplegia 85, autosomal recessive. The following ACMG Tag(s) were applied: Absent from controls (or at extremely low frequency if recessive) in Exome Sequencing Project, 1000 Genomes Project, or Exome Aggregation Consortium (PM2); For recessive disorders, detected in trans with a pathogenic variant (PM3 downgraded to supporting); Multiple lines of computational evidence support a deleterious effect on the gene or gene product (PP3); Located in a mutational hot spot and/or critical and well-established functional domain (PM1).

Literature cited by the submitters: PubMed 35041108 (cited by Ambry Genetics and SIB Swiss Institute of Bioinformatics).